The following is an entry in ClinVar:

NM_001372.4(DNAH9):c.12743G>A (p.Arg4248His)

Gene: DNAH9 (dynein axonemal heavy chain 9; plus strand). Cytogenetic location: 17p12.
Variant type: single nucleotide variant.
Coding change: c.12743G>A on transcript NM_001372.4 (MANE Select); coding-DNA position 12743, G replaced by A.
Protein change: p.Arg4248His; replaces arginine 4248 with histidine.
Molecular consequence: missense variant.
Genome position (GRCh38, 1-based): chr17:11,942,385, G>A. VCF-style: chr17-11942385-G-A. GRCh37 (hg19) VCF-style: chr17-11845702-G-A.
Other names: c.1679G>A, p.Arg560His (NM_004662.2); short protein forms R4248H, R560H.
Identifiers: ClinVar variation 1386156 (VCV001386156.3), dbSNP rs753041994, ClinGen allele CA8398244.

ClinVar aggregate classification (germline): Uncertain significance (1 of 4 stars; one submission).

Allele frequency attached by ClinVar (database versions not stated): ExAC 0.00002; TOPMed 0.00002; gnomAD 0.00003 and 0.00004; gnomAD exomes 0.00003.
gnomAD v4.1: 33 of 1,614,166 alleles (0.002%); highest among the groups gnomAD compares: East Asian, 0.0089%; no homozygotes.

Submission:

Labcorp Genetics (formerly Invitae), Labcorp
Classification: Uncertain significance. Last evaluated: 2021-07-29. Review status: criteria provided, single submitter. Criteria: Invitae Variant Classification Sherloc (09022015). Collection method: clinical testing. Allele origin: germline.
Comment: This sequence change replaces arginine with histidine at codon 4248 of the DNAH9 protein (p.Arg4248His). The arginine residue is weakly conserved and there is a small physicochemical difference between arginine and histidine. This variant is present in population databases (rs753041994, ExAC 0.009%). This variant has not been reported in the literature in individuals affected with DNAH9-related conditions. Algorithms developed to predict the effect of missense changes on protein structure and function output the following: SIFT: "Tolerated"; PolyPhen-2: "Benign"; Align-GVGD: "Class C0". The histidine amino acid residue is found in multiple mammalian species, which suggests that this missense change does not adversely affect protein function. In summary, the available evidence is currently insufficient to determine the role of this variant in disease. Therefore, it has been classified as a Variant of Uncertain Significance.